The following is an entry in ClinVar:

NM_000398.7(CYB5R3):c.333+5A>G

Gene: CYB5R3 (cytochrome b5 reductase 3; minus strand). Cytogenetic location: 22q13.2.
Variant type: single nucleotide variant.
Coding change: c.333+5A>G on transcript NM_000398.7 (MANE Select); 5 bases into the intron after coding-DNA position 333, A replaced by G.
Molecular consequence: intron variant.
Genome position (GRCh38, 1-based): chr22:42,630,877, T>C on the plus strand (A>G on the coding strand, the complement: CYB5R3 is on the minus strand). VCF-style: chr22-42630877-T-C. GRCh37 (hg19) VCF-style: chr22-43026883-T-C.
Other names: c.264+5A>G (NM_007326.4, NM_001171661.1, NM_001129819.2); c.432+5A>G (NM_001171660.2).
Identifiers: ClinVar variation 2232028 (VCV002232028.2), dbSNP rs779698958, ClinGen allele CA10269823.

ClinVar aggregate classification (germline): Uncertain significance (1 of 4 stars; one submission).

Conditions:
Inborn genetic diseases. Identifiers: MedGen C0950123, MeSH D030342.

Allele frequency attached by ClinVar (database versions not stated): gnomAD exomes 0.00002; ExAC 0.00003; gnomAD 0.00007; TOPMed 0.00012.
gnomAD v4.1: 47 of 1,610,504 alleles (0.0029%); highest among the groups gnomAD compares: Admixed American, 0.02%; no homozygotes.

Submission:

Ambry Genetics
Classification: Uncertain significance for Inborn genetic diseases. Last evaluated: 2021-07-14. Review status: criteria provided, single submitter. Criteria: Ambry Variant Classification Scheme 2023. Collection method: clinical testing. Allele origin: germline.
Comment: The c.333+5A>G intronic alteration consists of a A to G substitution 5 nucleotides after exon 4 of the CYB5R3 gene. Based on insufficient or conflicting evidence, the clinical significance of this alteration remains unclear.